The following is an entry in ClinVar:

NM_005228.5(EGFR):c.1790C>T (p.Ala597Val)

Gene: EGFR (epidermal growth factor receptor; plus strand). Cytogenetic location: 7p11.2.
Variant type: single nucleotide variant.
Coding change: c.1790C>T on transcript NM_005228.5 (MANE Select); coding-DNA position 1790, C replaced by T.
Protein change: p.Ala597Val; replaces alanine 597 with valine.
Molecular consequence: missense variant.
Genome position (GRCh38, 1-based): chr7:55,165,347, C>T. VCF-style: chr7-55165347-C-T. GRCh37 (hg19) VCF-style: chr7-55233040-C-T.
Other names: c.1790C>T, p.Ala597Val (NM_201282.2, NM_201284.2, NM_001346898.2); c.1655C>T, p.Ala552Val (NM_001346897.2, NM_001346899.2); c.1631C>T, p.Ala544Val (NM_001346900.2); c.989C>T, p.Ala330Val (NM_001346941.2); short protein forms A544V, A552V, A330V, A597V.
Identifiers: ClinVar variation 4638761 (VCV004638761.1).

ClinVar aggregate classification (germline): Uncertain significance (1 of 4 stars; one submission).

Conditions:
Hereditary cancer-predisposing syndrome. Also called: Neoplastic Syndromes, Hereditary; Tumor predisposition; Hereditary Cancer Syndrome; Hereditary neoplastic syndrome. Identifiers: Orphanet 140162, MedGen C0027672, MeSH D009386, MONDO:0015356.

Submission:

Ambry Genetics
Classification: Uncertain significance for Hereditary cancer-predisposing syndrome. Last evaluated: 2025-10-05. Review status: criteria provided, single submitter. Criteria: Ambry Variant Classification Scheme 2023. Collection method: clinical testing. Allele origin: germline.
Comment: The p.A597V variant (also known as c.1790C>T), located in coding exon 15 of the EGFR gene, results from a C to T substitution at nucleotide position 1790. The alanine at codon 597 is replaced by valine, an amino acid with similar properties. This amino acid position is conserved. In addition, this alteration is predicted to be tolerated by in silico analysis. Based on the available evidence, the clinical significance of this variant remains unclear.